The following is an entry in ClinVar:

NM_000318.3(PEX2):c.365A>T (p.Asp122Val)

Gene: PEX2 (peroxisomal biogenesis factor 2; minus strand). Cytogenetic location: 8q21.13.
Variant type: single nucleotide variant.
Coding change: c.365A>T on transcript NM_000318.3 (MANE Select); coding-DNA position 365, A replaced by T.
Protein change: p.Asp122Val; replaces aspartic acid 122 with valine.
Molecular consequence: missense variant.
Genome position (GRCh38, 1-based): chr8:76,983,814, T>A on the plus strand (A>T on the coding strand, the complement: PEX2 is on the minus strand). VCF-style: chr8-76983814-T-A. GRCh37 (hg19) VCF-style: chr8-77896050-T-A.
Other names: c.365A>T, p.Asp122Val (NM_001079867.2, NM_001172086.2, NM_001172087.2); short protein forms D122V.
Identifiers: ClinVar variation 2090140 (VCV002090140.4), dbSNP rs1262126828, ClinGen allele CA371557502.

ClinVar aggregate classification (germline): Uncertain significance (1 of 4 stars; one submission).

Conditions:
Peroxisome biogenesis disorder 5A (Zellweger) (PBD5A). Identifiers: Orphanet 912, MedGen C3553940, MONDO:0013932, OMIM 614866.

Allele frequency attached by ClinVar (database versions not stated): gnomAD exomes below 0.00001.
gnomAD v4.1: 1 of 1,614,150 alleles (0.000062%); highest among the groups gnomAD compares: East Asian, 0.0022%; no homozygotes.

Submission:

Labcorp Genetics (formerly Invitae), Labcorp
Classification: Uncertain significance for Peroxisome biogenesis disorder 5A (Zellweger). Last evaluated: 2023-11-06. Review status: criteria provided, single submitter. Criteria: Invitae Variant Classification Sherloc (09022015). Collection method: clinical testing. Allele origin: germline.
Comment: This sequence change replaces aspartic acid, which is acidic and polar, with valine, which is neutral and non-polar, at codon 122 of the PEX2 protein (p.Asp122Val). This variant is present in population databases (no rsID available, gnomAD 0.006%). This variant has not been reported in the literature in individuals affected with PEX2-related conditions. ClinVar contains an entry for this variant (Variation ID: 2090140). Advanced modeling of protein sequence and biophysical properties (such as structural, functional, and spatial information, amino acid conservation, physicochemical variation, residue mobility, and thermodynamic stability) performed at Invitae indicates that this missense variant is not expected to disrupt PEX2 protein function with a negative predictive value of 80%. In summary, the available evidence is currently insufficient to determine the role of this variant in disease. Therefore, it has been classified as a Variant of Uncertain Significance.